The following is an entry in ClinVar:

NM_004637.6(RAB7A):c.152T>C (p.Met51Thr)

Gene: RAB7A (RAB7A, member RAS oncogene family; plus strand). Cytogenetic location: 3q21.3.
Variant type: single nucleotide variant.
Coding change: c.152T>C on transcript NM_004637.6 (MANE Select); coding-DNA position 152, T replaced by C.
Protein change: p.Met51Thr; replaces methionine 51 with threonine.
Molecular consequence: missense variant.
Genome position (GRCh38, 1-based): chr3:128,798,041, T>C. VCF-style: chr3-128798041-T-C. GRCh37 (hg19) VCF-style: chr3-128516884-T-C.
Other names: short protein forms M51T.
Identifiers: ClinVar variation 1474822 (VCV001474822.6), dbSNP rs769771992, ClinGen allele CA2600786.

ClinVar aggregate classification (germline): Uncertain significance (1 of 4 stars; one submission).

Conditions:
Charcot-Marie-Tooth disease type 2B (CMT2B). Also called: CHARCOT-MARIE-TOOTH DISEASE, AXONAL, TYPE 2B; CHARCOT-MARIE-TOOTH DISEASE, AUTOSOMAL DOMINANT, TYPE 2B; Charcot-Marie-Tooth Neuropathy Type 2B; HEREDITARY MOTOR AND SENSORY NEUROPATHY IIB. Identifiers: Orphanet 99936, MedGen C1833219, MONDO:0010949, OMIM 600882.

Allele frequency attached by ClinVar (database versions not stated): gnomAD exomes below 0.00001; ExAC 0.00001; gnomAD 0.00001; TOPMed 0.00001.

Submission:

Labcorp Genetics (formerly Invitae), Labcorp
Classification: Uncertain significance for Charcot-Marie-Tooth disease type 2B. Last evaluated: 2021-09-29. Review status: criteria provided, single submitter. Criteria: Invitae Variant Classification Sherloc (09022015). Collection method: clinical testing. Allele origin: germline.
Comment: In summary, the available evidence is currently insufficient to determine the role of this variant in disease. Therefore, it has been classified as a Variant of Uncertain Significance. Algorithms developed to predict the effect of missense changes on protein structure and function (SIFT, PolyPhen-2, Align-GVGD) all suggest that this variant is likely to be tolerated. This variant has not been reported in the literature in individuals affected with RAB7A-related conditions. This variant is present in population databases (rs769771992, ExAC 0.006%). This sequence change replaces methionine with threonine at codon 51 of the RAB7A protein (p.Met51Thr). The methionine residue is moderately conserved and there is a moderate physicochemical difference between methionine and threonine.